The following is an entry in ClinVar:

ClinVar aggregate classification (germline): Uncertain significance. Review status: criteria provided, multiple submitters, no conflicts (2 of 4 stars). 3 submissions from 3 submitters: Uncertain significance (2). 1 of the submissions does not count toward it. Last evaluated 2024-09-02.

Conditions:
Retinal dystrophy. Also called: Inherited retinal dystrophy. Identifiers: Orphanet 71862, MedGen C0854723, MeSH D058499, MONDO:0019118, HP:0000556.

Allele frequency attached by ClinVar (database versions not stated): gnomAD 0.00001; gnomAD exomes 0.00001 and 0.00003; ExAC 0.00002; TOPMed 0.00002.

Submissions (3):

Blueprint Genetics
Classification: Uncertain significance. Last evaluated: 2024-09-02. Review status: criteria provided, single submitter. Criteria: ACMG Guidelines, 2015. Collection method: clinical testing. Allele origin: germline.

Labcorp Genetics (formerly Invitae), Labcorp
Classification: Uncertain significance. Last evaluated: 2022-09-06. Review status: criteria provided, single submitter. Criteria: Invitae Variant Classification Sherloc (09022015). Collection method: clinical testing. Allele origin: germline.
Comment: This sequence change replaces asparagine, which is neutral and polar, with serine, which is neutral and polar, at codon 559 of the WHRN protein (p.Asn559Ser). This variant is present in population databases (rs772432304, gnomAD 0.02%). This variant has not been reported in the literature in individuals affected with WHRN-related conditions. ClinVar contains an entry for this variant (Variation ID: 848958). Algorithms developed to predict the effect of missense changes on protein structure and function output the following: SIFT: "Tolerated"; PolyPhen-2: "Benign"; Align-GVGD: "Class C0". The serine amino acid residue is found in multiple mammalian species, which suggests that this missense change does not adversely affect protein function. In summary, the available evidence is currently insufficient to determine the role of this variant in disease. Therefore, it has been classified as a Variant of Uncertain Significance.

Institute of Human Genetics, Univ. Regensburg, Univ. Regensburg
Classification: Uncertain significance for Retinal dystrophy. Last evaluated: 2023-01-01. Review status: no assertion criteria provided. Criteria: ACMG Guidelines, 2015. Collection method: clinical testing. Allele origin: germline. Affected: yes. Not counted in ClinVar's aggregate classification.

NM_015404.4(WHRN):c.1676A>G (p.Asn559Ser)

Gene: WHRN (whirlin; minus strand). Cytogenetic location: 9q32.
Variant type: single nucleotide variant.
Coding change: c.1676A>G on transcript NM_015404.4 (MANE Select); coding-DNA position 1676, A replaced by G.
Protein change: p.Asn559Ser; replaces asparagine 559 with serine.
Molecular consequence: missense variant.
Genome position (GRCh38, 1-based): chr9:114,407,969, T>C on the plus strand (A>G on the coding strand, the complement: WHRN is on the minus strand). VCF-style: chr9-114407969-T-C. GRCh37 (hg19) VCF-style: chr9-117170249-T-C.
Other names: c.527A>G, p.Asn176Ser (NM_001083885.3); c.1676A>G, p.Asn559Ser (NM_001173425.2); c.623A>G, p.Asn208Ser (NM_001346890.1); short protein forms N176S, N208S, N559S.
Identifiers: ClinVar variation 848958 (VCV000848958.13), dbSNP rs772432304, ClinGen allele CA5205856.